The following is an entry in ClinVar:

ClinVar aggregate classification (germline): Uncertain significance (1 of 4 stars; one submission).

Conditions:
Dyskeratosis congenita, autosomal dominant 1 (DKCA1). Also called: Dyskeratosis congenita Scoggins type. Identifiers: Orphanet 1775, MedGen C4551974, MONDO:0007485, OMIM 127550. Inheritance: Variable.

Allele frequency attached by ClinVar (database versions not stated): gnomAD 0.00001; gnomAD exomes 0.00001; TOPMed 0.00001; ExAC 0.00002.
gnomAD v4.1: 6 of 765,026 alleles (0.00078%); highest among the groups gnomAD compares: African/African-American, 0.0017%; no homozygotes.

Submission:

Labcorp Genetics (formerly Invitae), Labcorp
Classification: Uncertain significance for Dyskeratosis congenita, autosomal dominant 1. Last evaluated: 2025-10-27. Review status: criteria provided, single submitter. Criteria: Invitae Variant Classification Sherloc (09022015). Collection method: clinical testing. Allele origin: germline.
Comment: This variant occurs in the TERC gene, which encodes an RNA molecule that does not result in a protein product. This variant is present in population databases (rs781357040, gnomAD 0.003%). This variant has not been reported in the literature in individuals affected with TERC-related conditions. ClinVar contains an entry for this variant (Variation ID: 569852). This variant is located within the template/pseudoknot domain of the TERC RNA component, which is required for RNA or RNP stability (PMID: 15082312, 21844345). In summary, the available evidence is currently insufficient to determine the role of this variant in disease. Therefore, it has been classified as a Variant of Uncertain Significance.

Literature cited by the submitters: PubMed 15082312; PubMed 21844345.

NC_000003.12:g.169764911T>C

Genes: TERC (telomerase RNA component; minus strand), LOC110806306 (telomerase RNA component (TERC) promoter; plus strand). Cytogenetic location: 3q26.2.
Variant type: single nucleotide variant.
Genome position: GRCh38 VCF-style: chr3-169764911-T-C. GRCh37 (hg19) VCF-style: chr3-169482699-T-C.
Identifiers: ClinVar variation 569852 (VCV000569852.10), dbSNP rs781357040, ClinGen allele CA2696819.
Genomic context (GRCh38, chr3:169,764,911, plus strand): 5'-TCCCCGGGAGGGGCGAACGGGCCAGCAGCTGACATTTTTTGTTTGCTCTAGAATGAACGG[T>C]GGAAGGCGGCAGGCCGAGGCTTTTCCGCCCGCTGAAAGTCAGCGAGAAAAACAGCGCGCG-3'